The following is an entry in ClinVar:

NM_014319.5(LEMD3):c.371G>A (p.Gly124Asp)

Genes: LEMD3 (LEM domain containing 3; plus strand), LOC130008224 (ATAC-STARR-seq lymphoblastoid silent region 4630; plus strand). Cytogenetic location: 12q14.3.
Variant type: single nucleotide variant.
Coding change: c.371G>A on transcript NM_014319.5 (MANE Select); coding-DNA position 371, G replaced by A.
Protein change: p.Gly124Asp; replaces glycine 124 with aspartic acid.
Molecular consequence: missense variant.
Genome position (GRCh38, 1-based): chr12:65,169,967, G>A. VCF-style: chr12-65169967-G-A. GRCh37 (hg19) VCF-style: chr12-65563747-G-A.
Other names: c.371G>A, p.Gly124Asp (NM_001167614.2); short protein forms G124D.
Identifiers: ClinVar variation 1413544 (VCV001413544.6), dbSNP rs892832101, ClinGen allele CA238907680.

ClinVar aggregate classification (germline): Uncertain significance (1 of 4 stars; one submission).

Allele frequency attached by ClinVar (database versions not stated): gnomAD exomes 0.00001 and 0.00002; gnomAD 0.00012 and 0.00013; TOPMed 0.00015.
gnomAD v4.1: 30 of 1,463,438 alleles (0.002%); highest among the groups gnomAD compares: African/African-American, 0.033%; no homozygotes.

Submission:

Labcorp Genetics (formerly Invitae), Labcorp
Classification: Uncertain significance. Last evaluated: 2025-09-02. Review status: criteria provided, single submitter. Criteria: Invitae Variant Classification Sherloc (09022015). Collection method: clinical testing. Allele origin: germline.
Comment: This sequence change replaces glycine, which is neutral and non-polar, with aspartic acid, which is acidic and polar, at codon 124 of the LEMD3 protein (p.Gly124Asp). This variant is present in population databases (no rsID available, gnomAD 0.04%). This variant has not been reported in the literature in individuals affected with LEMD3-related conditions. ClinVar contains an entry for this variant (Variation ID: 1413544). An algorithm developed to predict the effect of missense changes on protein structure and function (PolyPhen-2) suggests that this variant is likely to be tolerated. In summary, the available evidence is currently insufficient to determine the role of this variant in disease. Therefore, it has been classified as a Variant of Uncertain Significance.